The following is an entry in ClinVar:

NM_022124.6(CDH23):c.6088G>C (p.Glu2030Gln)

Gene: CDH23 (cadherin related 23; plus strand). Cytogenetic location: 10q22.1.
Variant type: single nucleotide variant.
Coding change: c.6088G>C on transcript NM_022124.6 (MANE Select); coding-DNA position 6088, G replaced by C.
Protein change: p.Glu2030Gln; replaces glutamic acid 2030 with glutamine.
Molecular consequence: missense variant.
Genome position (GRCh38, 1-based): chr10:71,791,170, G>C. VCF-style: chr10-71791170-G-C. GRCh37 (hg19) VCF-style: chr10-73550927-G-C.
Other names: short protein forms E2030Q.
Identifiers: ClinVar variation 938071 (VCV000938071.9), dbSNP rs1841240341, ClinGen allele CA377152207.

ClinVar aggregate classification (germline): Uncertain significance (1 of 4 stars; one submission).

Submission:

Labcorp Genetics (formerly Invitae), Labcorp
Classification: Uncertain significance. Last evaluated: 2019-09-12. Review status: criteria provided, single submitter. Criteria: Invitae Variant Classification Sherloc (09022015). Collection method: clinical testing. Allele origin: germline.
Comment: This sequence change replaces glutamic acid with glutamine at codon 2030 of the CDH23 protein (p.Glu2030Gln). The glutamic acid residue is highly conserved and there is a small physicochemical difference between glutamic acid and glutamine. This variant is not present in population databases (ExAC no frequency). This variant has not been reported in the literature in individuals with CDH23-related conditions. Algorithms developed to predict the effect of missense changes on protein structure and function are either unavailable or do not agree on the potential impact of this missense change (SIFT: "Deleterious"; PolyPhen-2: "Not Available"; Align-GVGD: "Class C25"). In summary, the available evidence is currently insufficient to determine the role of this variant in disease. Therefore, it has been classified as a Variant of Uncertain Significance.